The following is an entry in ClinVar:

ClinVar aggregate classification (germline): Uncertain significance (1 of 4 stars; one submission).

Allele frequency attached by ClinVar (database versions not stated): gnomAD exomes below 0.00001.

Submission:

Labcorp Genetics (formerly Invitae), Labcorp
Classification: Uncertain significance. Last evaluated: 2022-04-17. Review status: criteria provided, single submitter. Criteria: Invitae Variant Classification Sherloc (09022015). Collection method: clinical testing. Allele origin: germline.
Comment: In summary, the available evidence is currently insufficient to determine the role of this variant in disease. Therefore, it has been classified as a Variant of Uncertain Significance. Algorithms developed to predict the effect of missense changes on protein structure and function are either unavailable or do not agree on the potential impact of this missense change (SIFT: "Deleterious"; PolyPhen-2: "Probably Damaging"; Align-GVGD: "Class C0"). This variant has not been reported in the literature in individuals affected with SNRNP200-related conditions. This variant is not present in population databases (gnomAD no frequency). This sequence change replaces methionine, which is neutral and non-polar, with valine, which is neutral and non-polar, at codon 1542 of the SNRNP200 protein (p.Met1542Val).

NM_014014.5(SNRNP200):c.4624A>G (p.Met1542Val)

Gene: SNRNP200 (small nuclear ribonucleoprotein U5 subunit 200; minus strand). Cytogenetic location: 2q11.2.
Variant type: single nucleotide variant.
Coding change: c.4624A>G on transcript NM_014014.5 (MANE Select); coding-DNA position 4624, A replaced by G.
Protein change: p.Met1542Val; replaces methionine 1542 with valine.
Molecular consequence: missense variant.
Genome position (GRCh38, 1-based): chr2:96,283,674, T>C on the plus strand (A>G on the coding strand, the complement: SNRNP200 is on the minus strand). VCF-style: chr2-96283674-T-C. GRCh37 (hg19) VCF-style: chr2-96949412-T-C.
Other names: short protein forms M1542V.
Identifiers: ClinVar variation 2127370 (VCV002127370.4), dbSNP rs1380298701, ClinGen allele CA347664308.